The following is an entry in ClinVar:

ClinVar aggregate classification (germline): Benign. Review status: criteria provided, multiple submitters, no conflicts (2 of 4 stars). 10 submissions from 10 submitters: Benign (8). 2 of the submissions do not count toward it. Last evaluated 2026-02-04.

Conditions:
Immunodeficiency 35 (IMD35). Also called: Susceptibility to infection due to TYK2 deficiency; TYK2 DEFICIENCY; HIES WITH ATYPICAL MYCOBACTERIOSIS, AUTOSOMAL RECESSIVE; HYPER-IgE SYNDROME WITH ATYPICAL MYCOBACTERIOSIS, AUTOSOMAL RECESSIVE. Identifiers: Orphanet 331226, MedGen C1969086, MONDO:0012682, OMIM 611521.

Allele frequency attached by ClinVar (database versions not stated): gnomAD exomes 0.24466 and 0.26351; ESP Exome Variant Server 0.27305; gnomAD 0.27974 and 0.28227; TOPMed 0.28211; ExAC 0.32171; 1000 Genomes Project 30x 0.32589; 1000 Genomes Project 0.32987.
gnomAD v4.1: 396,117 of 1,591,026 alleles (25%); highest among the groups gnomAD compares: East Asian, 40%; 51,487 homozygotes.

Submissions (10):

Labcorp Genetics (formerly Invitae), Labcorp
Classification: Benign for Immunodeficiency 35. Last evaluated: 2026-02-04. Review status: criteria provided, single submitter. Criteria: Invitae Variant Classification Sherloc (09022015). Collection method: clinical testing. Allele origin: germline.

Unidad de Genómica Garrahan, Hospital de Pediatría Garrahan
Classification: Benign. Last evaluated: 2023-11-12. Review status: criteria provided, single submitter. Criteria: ACMG Guidelines, 2015. Collection method: clinical testing. Allele origin: germline. Affected: no. Observed: 41 variant alleles.
Comment: This variant is classified as Benign based on local population frequency. This variant was detected in 43% of patients studied by a panel of primary immunodeficiencies. Number of patients: 41. Only high quality variants are reported.

Mayo Clinic Laboratories, Mayo Clinic
Classification: Benign. Last evaluated: 2022-09-06. Review status: criteria provided, single submitter. Criteria: ACMG Guidelines, 2015. Collection method: clinical testing. Allele origin: germline. Observed: 40 variant alleles.

Genome-Nilou Lab
Classification: Benign for Immunodeficiency 35. Last evaluated: 2021-12-05. Review status: criteria provided, single submitter. Criteria: ACMG Guidelines, 2015. Collection method: clinical testing. Allele origin: germline. Affected: no.

Illumina Laboratory Services, Illumina
Classification: Benign for Immunodeficiency 35. Last evaluated: 2018-01-13. Review status: criteria provided, single submitter. Criteria: ICSL Variant Classification Criteria 13 December 2019. Collection method: clinical testing. Allele origin: germline.
Comment: This variant was observed in the ICSL laboratory as part of a predisposition screen in an ostensibly healthy population. It had not been previously curated by ICSL or reported in the Human Gene Mutation Database (HGMD: prior to June 1st, 2018), and was therefore a candidate for classification through an automated scoring system. Utilizing variant allele frequency, disease prevalence and penetrance estimates, and inheritance mode, an automated score was calculated to assess if this variant is too frequent to cause the disease. Based on the score and internal cut-off values, a variant classified as benign is not then subjected to further curation. The score for this variant resulted in a classification of benign for this disease.

GeneDx
Classification: Benign. Last evaluated: 2013-09-27. Review status: criteria provided, single submitter. Criteria: GeneDx Variant Classification (06012015). Collection method: clinical testing. Allele origin: germline. Affected: yes.
Comment: This variant is considered likely benign or benign based on one or more of the following criteria: it is a conservative change, it occurs at a poorly conserved position in the protein, it is predicted to be benign by multiple in silico algorithms, and/or has population frequency not consistent with disease.

Breakthrough Genomics
Classification: Benign. Review status: criteria provided, single submitter. Criteria: ACMG Guidelines, 2015. Collection method: not provided. Allele origin: germline. Inheritance: Autosomal recessive inheritance. Affected: yes.

PreventionGenetics, part of Exact Sciences
Classification: Benign. Review status: criteria provided, single submitter. Criteria: ACMG Guidelines, 2015. Collection method: clinical testing. Allele origin: germline.

Diagnostic Laboratory, Department of Genetics, University Medical Center Groningen
Classification: Benign. Review status: no assertion criteria provided. Collection method: clinical testing. Allele origin: germline. Affected: yes. Study: VKGL Data-share Consensus. Not counted in ClinVar's aggregate classification.

Joint Genome Diagnostic Labs from Nijmegen and Maastricht, Radboudumc and MUMC+
Classification: Benign. Review status: no assertion criteria provided. Collection method: clinical testing. Allele origin: germline. Affected: yes. Study: VKGL Data-share Consensus. Not counted in ClinVar's aggregate classification.

NM_003331.5(TYK2):c.1477-6T>C

Gene: TYK2 (tyrosine kinase 2; minus strand). Cytogenetic location: 19p13.2.
Variant type: single nucleotide variant.
Coding change: c.1477-6T>C on transcript NM_003331.5 (MANE Select); 6 bases into the intron before coding-DNA position 1477, T replaced by C.
Molecular consequence: intron variant.
Genome position (GRCh38, 1-based): chr19:10,362,462, A>G on the plus strand (T>C on the coding strand, the complement: TYK2 is on the minus strand). VCF-style: chr19-10362462-A-G. GRCh37 (hg19) VCF-style: chr19-10473138-A-G.
Other names: p.?; c.1477-6T>C (LRG_121t1).
Identifiers: ClinVar variation 137865 (VCV000137865.24), dbSNP rs280520, ClinGen allele CA291550.